The following is an entry in ClinVar:

NM_001614.5(ACTG1):c.984+13dup

Gene: ACTG1 (actin gamma 1; minus strand). Cytogenetic location: 17q25.3.
Variant type: Duplication.
Coding change: c.984+13dup on transcript NM_001614.5 (MANE Select); 13 bases into the intron after coding-DNA position 984, one base duplicated (G; older notation c.984+13dupG).
Molecular consequence: intron variant.
Genome position (GRCh38, 1-based): chr17:81,510,914, C duplicated on the plus strand (G on the coding strand, the reverse complement: ACTG1 is on the minus strand); the first of 4 consecutive C bases (chr17:81,510,914-81,510,917); duplicating any one gives the same sequence. VCF-style (leftmost placement, unchanged base first): chr17-81510913-A-AC. GRCh37 (hg19) VCF-style: chr17-79477939-A-AC.
Other names: c.984+13dupG (NM_001614.3); c.984+13dup (NM_001199954.3).
Identifiers: ClinVar variation 421684 (VCV000421684.1), dbSNP rs1555666452, ClinGen allele CA16620654.
Genomic context (GRCh38, chr17:81,510,913, plus strand): 5'-CGGCTTCAGCTCACAGAGCGCCCCCCAGTCAGCTCTCCCGAGCCAGGCAGAGGGCCACCA[A>AC]CCCCTCGACTCACCTTGATCTTCATGGTGCTGGGCGCCAGGGCGGTGATCTCCTTCTGCA-3'

ClinVar aggregate classification (germline): Likely benign (1 of 4 stars; one submission).

Submission:

GeneDx
Classification: Likely benign. Last evaluated: 2016-07-20. Review status: criteria provided, single submitter. Criteria: GeneDx Variant Classification (06012015). Collection method: clinical testing. Allele origin: germline. Affected: yes.
Comment: This variant is considered likely benign or benign based on one or more of the following criteria: it is a conservative change, it occurs at a poorly conserved position in the protein, it is predicted to be benign by multiple in silico algorithms, and/or has population frequency not consistent with disease.